The following is an entry in ClinVar:

NM_000048.4(ASL):c.617G>A (p.Gly206Asp)

Gene: ASL (argininosuccinate lyase; plus strand). Cytogenetic location: 7q11.21.
Variant type: single nucleotide variant.
Coding change: c.617G>A on transcript NM_000048.4 (MANE Select); coding-DNA position 617, G replaced by A.
Protein change: p.Gly206Asp; replaces glycine 206 with aspartic acid.
Molecular consequence: missense variant.
Genome position (GRCh38, 1-based): chr7:66,087,348, G>A. VCF-style: chr7-66087348-G-A. GRCh37 (hg19) VCF-style: chr7-65552335-G-A.
Other names: c.617G>A, p.Gly206Asp (NM_001024943.2, NM_001024944.2); c.539G>A, p.Gly180Asp (NM_001024946.2); short protein forms G180D, G206D.
Identifiers: ClinVar variation 2813481 (VCV002813481.3), dbSNP rs760559303, ClinGen allele CA367642890.

ClinVar aggregate classification (germline): Likely pathogenic (1 of 4 stars; one submission).

Conditions:
Argininosuccinate lyase deficiency. Also called: ARGININOSUCCINIC ACID LYASE DEFICIENCY; ASL DEFICIENCY; Argininosuccinic aciduria. Identifiers: Orphanet 23, MedGen C0268547, MONDO:0008815, OMIM 207900, HP:0025630.

Submission:

Labcorp Genetics (formerly Invitae), Labcorp
Classification: Likely pathogenic for Argininosuccinate lyase deficiency. Last evaluated: 2024-02-01. Review status: criteria provided, single submitter. Criteria: Invitae Variant Classification Sherloc (09022015). Collection method: clinical testing. Allele origin: germline.
Comment: This sequence change replaces glycine, which is neutral and non-polar, with aspartic acid, which is acidic and polar, at codon 206 of the ASL protein (p.Gly206Asp). This variant is not present in population databases (gnomAD no frequency). This variant has not been reported in the literature in individuals affected with ASL-related conditions. Advanced modeling of protein sequence and biophysical properties (such as structural, functional, and spatial information, amino acid conservation, physicochemical variation, residue mobility, and thermodynamic stability) performed at Invitae indicates that this missense variant is expected to disrupt ASL protein function with a positive predictive value of 95%. This variant disrupts the p.Gly206 amino acid residue in ASL. Other variant(s) that disrupt this residue have been determined to be pathogenic (PMID: 24166829, 31943503). This suggests that this residue is clinically significant, and that variants that disrupt this residue are likely to be disease-causing. In summary, the currently available evidence indicates that the variant is pathogenic, but additional data are needed to prove that conclusively. Therefore, this variant has been classified as Likely Pathogenic.

Literature cited by the submitters: PubMed 24166829; PubMed 31943503.